The following is an entry in ClinVar:

ClinVar aggregate classification (germline): Uncertain significance. Review status: criteria provided, multiple submitters, no conflicts (2 of 4 stars). 2 submissions from 2 submitters: Uncertain significance (2). Last evaluated 2025-09-07.

Conditions:
Mosaic variegated aneuploidy syndrome 1 (MVA1). Also called: Warburton-Anyane-Yeboa syndrome. Identifiers: Orphanet 1052, MedGen C1850343, MONDO:0009759, OMIM 257300.
Inborn genetic diseases. Identifiers: MedGen C0950123, MeSH D030342.

Allele frequency attached by ClinVar (database versions not stated): gnomAD exomes below 0.00001.
gnomAD v4.1: 1 of 1,614,166 alleles (0.000062%); highest among the groups gnomAD compares: Non-Finnish European, 0.000085%; no homozygotes.

Submissions (2):

Ambry Genetics
Classification: Uncertain significance for Inborn genetic diseases. Last evaluated: 2025-09-07. Review status: criteria provided, single submitter. Criteria: Ambry Variant Classification Scheme 2023. Collection method: clinical testing. Allele origin: germline.
Comment: The p.A876T variant (also known as c.2626G>A), located in coding exon 20 of the BUB1B gene, results from a G to A substitution at nucleotide position 2626. The alanine at codon 876 is replaced by threonine, an amino acid with similar properties. This amino acid position is conserved. In addition, the in silico prediction for this alteration is inconclusive. Since supporting evidence is limited at this time, the clinical significance of this alteration remains unclear.

Labcorp Genetics (formerly Invitae), Labcorp
Classification: Uncertain significance for Mosaic variegated aneuploidy syndrome 1. Last evaluated: 2023-04-22. Review status: criteria provided, single submitter. Criteria: Invitae Variant Classification Sherloc (09022015). Collection method: clinical testing. Allele origin: germline.
Comment: An algorithm developed to predict the effect of missense changes on protein structure and function (PolyPhen-2) suggests that this variant is likely to be disruptive. In summary, the available evidence is currently insufficient to determine the role of this variant in disease. Therefore, it has been classified as a Variant of Uncertain Significance. ClinVar contains an entry for this variant (Variation ID: 1794003). This sequence change replaces alanine, which is neutral and non-polar, with threonine, which is neutral and polar, at codon 876 of the BUB1B protein (p.Ala876Thr). This variant is not present in population databases (gnomAD no frequency). This variant has not been reported in the literature in individuals affected with BUB1B-related conditions.

NM_001211.6(BUB1B):c.2626G>A (p.Ala876Thr)

Gene: BUB1B (BUB1 mitotic checkpoint serine/threonine kinase B; plus strand). Cytogenetic location: 15q15.1.
Variant type: single nucleotide variant.
Coding change: c.2626G>A on transcript NM_001211.6 (MANE Select); coding-DNA position 2626, G replaced by A.
Protein change: p.Ala876Thr; replaces alanine 876 with threonine.
Molecular consequence: missense variant.
Genome position (GRCh38, 1-based): chr15:40,213,422, G>A. VCF-style: chr15-40213422-G-A. GRCh37 (hg19) VCF-style: chr15-40505623-G-A.
Other names: short protein forms A876T.
Identifiers: ClinVar variation 1794003 (VCV001794003.6), dbSNP rs2542577065, ClinGen allele CA391686359.